The following is an entry in ClinVar:

NM_000543.5(SMPD1):c.1486+5G>A

Gene: SMPD1 (sphingomyelin phosphodiesterase 1; plus strand). Cytogenetic location: 11p15.4.
Variant type: single nucleotide variant.
Coding change: c.1486+5G>A on transcript NM_000543.5 (MANE Select); 5 bases into the intron after coding-DNA position 1486, G replaced by A.
Molecular consequence: intron variant.
Genome position (GRCh38, 1-based): chr11:6,394,046, G>A. VCF-style: chr11-6394046-G-A. GRCh37 (hg19) VCF-style: chr11-6415276-G-A.
Other names: c.565+5G>A (NM_001318088.2); c.1354+5G>A (NM_001365135.2); c.1486+5G>A (NM_001318087.2); c.1483+5G>A (NM_001007593.3).
Identifiers: ClinVar variation 1013298 (VCV001013298.39), dbSNP rs1446986999, ClinGen allele CA1950149150.
Genomic context (GRCh38, chr11:6,394,046, plus strand): 5'-GCTGGCTGTAGCCTTCCTGGCACCCAGTGCAACTACCTACATCGGCCTTAATCCTGGTGA[G>A]TGAGGCAGAAGGGAGCCTCCCTTATCCTGGAGTTGGTGGGATAGGGGAAGGAGGTTGGAG-3'

ClinVar aggregate classification (germline): Conflicting classifications of pathogenicity. Review status: criteria provided, conflicting classifications (1 of 4 stars). 2 submissions from 2 submitters: Pathogenic (1); Uncertain significance (1). Last evaluated 2025-11-26.

Conditions:
Acid sphingomyelinase deficiency. Identifiers: Orphanet 618899, MedGen C5243927, MONDO:0100464.

Submissions (2):

Myriad Genetics, Inc.
Classification: Uncertain significance for Acid sphingomyelinase deficiency. Last evaluated: 2025-11-26. Review status: criteria provided, single submitter. Criteria: Myriad Autosomal Dominant, Autosomal Recessive and X-Linked Classification Criteria (2023). Collection method: clinical testing. Allele origin: unknown.
Comment: NM_000543.4(SMPD1):c.1486+5G>A is an intronic variant classified as a variant of uncertain significance in the context of Niemann-Pick disease, SMPD1-related. c.1486+5G>A has not been observed in cases with relevant disease. Relevant functional assessments of this variant are not available in the literature. c.1486+5G>A has not been observed in referenced population frequency databases. In summary, there is insufficient evidence to classify NM_000543.4(SMPD1):c.1486+5G>A as pathogenic or benign. Please note: this variant was assessed in the context of healthy population screening.

CeGaT Center for Human Genetics Tuebingen
Classification: Pathogenic. Last evaluated: 2020-10-01. Review status: criteria provided, single submitter. Criteria: CeGaT Center For Human Genetics Tuebingen Variant Classification Criteria Version 2. Collection method: clinical testing. Allele origin: germline. Affected: yes. Observed: 2 variant alleles.